The following is an entry in ClinVar:

ClinVar aggregate classification (germline): Conflicting classifications of pathogenicity. Review status: criteria provided, conflicting classifications (1 of 4 stars). 2 submissions from 2 submitters: Uncertain significance (1); Likely benign (1). Last evaluated 2024-02-26.

Conditions:
Hereditary cancer-predisposing syndrome. Also called: Neoplastic Syndromes, Hereditary; Tumor predisposition; Hereditary neoplastic syndrome; Hereditary Cancer Syndrome. Identifiers: Orphanet 140162, MedGen C0027672, MeSH D009386, MONDO:0015356.

Allele frequency attached by ClinVar (database versions not stated): gnomAD exomes below 0.00001.
gnomAD v4.1: 4 of 1,614,088 alleles (0.00025%); highest among the groups gnomAD compares: South Asian, 0.0011%; no homozygotes.

Submissions (2):

Ambry Genetics
Classification: Likely benign for Hereditary cancer-predisposing syndrome. Last evaluated: 2024-02-26. Review status: criteria provided, single submitter. Criteria: Ambry Variant Classification Scheme 2023. Collection method: clinical testing. Allele origin: germline.

Color Diagnostics, LLC DBA Color Health
Classification: Uncertain significance for Hereditary cancer-predisposing syndrome. Last evaluated: 2023-12-04. Review status: criteria provided, single submitter. Criteria: ACMG Guidelines, 2015. Collection method: clinical testing. Allele origin: germline.
Comment: This missense variant replaces asparagine with serine at codon 319 of the BARD1 protein. Computational prediction suggests that this variant may not impact protein structure and function (internally defined REVEL score threshold <= 0.5, PMID: 27666373). To our knowledge, functional studies have not been reported for this variant. This variant has not been reported in individuals affected with BARD1-related disorders in the literature. This variant has not been identified in the general population by the Genome Aggregation Database (gnomAD). The available evidence is insufficient to determine the role of this variant in disease conclusively. Therefore, this variant is classified as a Variant of Uncertain Significance.

NM_000465.4(BARD1):c.956A>G (p.Asn319Ser)

Gene: BARD1 (BRCA1 associated RING domain 1; minus strand). Cytogenetic location: 2q35.
Variant type: single nucleotide variant.
Coding change: c.956A>G on transcript NM_000465.4 (MANE Select); coding-DNA position 956, A replaced by G.
Protein change: p.Asn319Ser; replaces asparagine 319 with serine.
Molecular consequence: missense variant. On other transcripts: non-coding transcript variant (2), intron variant (3).
Genome position (GRCh38, 1-based): chr2:214,780,918, T>C on the plus strand (A>G on the coding strand, the complement: BARD1 is on the minus strand). VCF-style: chr2-214780918-T-C. GRCh37 (hg19) VCF-style: chr2-215645642-T-C.
Other names: c.899A>G, p.Asn300Ser (NM_001282543.2); c.159-28363A>G (NM_001282548.2); c.215+16143A>G (NM_001282545.2); c.364+11379A>G (NM_001282549.2); c.956A>G (NM_000465.2); short protein forms N319S, N300S.
Identifiers: ClinVar variation 628289 (VCV000628289.7), dbSNP rs996675923, ClinGen allele CA350454748.